The following is an entry in ClinVar:

ClinVar aggregate classification (germline): Conflicting classifications of pathogenicity. Review status: criteria provided, conflicting classifications (1 of 4 stars). 11 submissions from 11 submitters: Uncertain significance (1); Benign (4); Likely benign (5). 1 of the submissions does not count toward it. Last evaluated 2026-07-01.

Conditions:
Inborn genetic diseases. Identifiers: MedGen C0950123, MeSH D030342.
Pitt-Hopkins-like syndrome 2 (PTHSL2). Identifiers: Orphanet 221150, Orphanet 600663, MedGen C3280479, MONDO:0013690, OMIM 614325.
NRXN1-related disorder.

Allele frequency attached by ClinVar (database versions not stated): 1000 Genomes Project 30x 0.00094; gnomAD 0.00109 and 0.00110; 1000 Genomes Project 0.00120; gnomAD exomes 0.00123; ExAC 0.00125; TOPMed 0.00126; ESP Exome Variant Server 0.00159.
gnomAD v4.1: 2,540 of 1,608,268 alleles (0.16%); highest among the groups gnomAD compares: Non-Finnish European, 0.18%; 3 homozygotes.

Submissions (11):

CeGaT Center for Human Genetics Tuebingen
Classification: Likely benign. Last evaluated: 2026-07-01. Review status: criteria provided, single submitter. Criteria: CeGaT Center For Human Genetics Tuebingen Variant Classification Criteria Version 2. Collection method: clinical testing. Allele origin: germline. Affected: yes. Observed: 20 variant alleles.
Comment: NRXN1: BP4, BP7

Labcorp Genetics (formerly Invitae), Labcorp
Classification: Likely benign for Pitt-Hopkins-like syndrome 2. Last evaluated: 2026-02-03. Review status: criteria provided, single submitter. Criteria: Invitae Variant Classification Sherloc (09022015). Collection method: clinical testing. Allele origin: germline.

Mayo Clinic Laboratories, Mayo Clinic
Classification: Benign. Last evaluated: 2025-03-20. Review status: criteria provided, single submitter. Criteria: ACMG Guidelines, 2015. Collection method: clinical testing. Allele origin: germline. Observed: 4 variant alleles.
Comment: BS1, BS2, BP4, BP7

Blueprint Genetics
Classification: Likely benign. Last evaluated: 2024-11-18. Review status: criteria provided, single submitter. Criteria: ACMG Guidelines, 2015. Collection method: clinical testing. Allele origin: germline.

Athena Diagnostics
Classification: Benign. Last evaluated: 2020-08-27. Review status: criteria provided, single submitter. Criteria: Athena Diagnostics criteria. Collection method: clinical testing. Allele origin: unknown.

Eurofins Ntd Llc (ga)
Classification: Uncertain significance. Last evaluated: 2017-08-29. Review status: criteria provided, single submitter. Criteria: EGL Classification Definitions 2015. Collection method: clinical testing. Allele origin: germline. Observed: 8 variant alleles, 8 heterozygotes.

Illumina Laboratory Services, Illumina
Classification: Benign for Pitt-Hopkins-like syndrome 2. Last evaluated: 2017-04-27. Review status: criteria provided, single submitter. Criteria: ICSL Variant Classification Criteria 13 December 2019. Collection method: clinical testing. Allele origin: germline.
Comment: This variant was observed as part of a predisposition screen in an ostensibly healthy population. A literature search was performed for the gene, cDNA change, and amino acid change (where applicable). Publications were found based on this search. The evidence from the literature, in combination with allele frequency data from public databases where available, was sufficient to rule this variant out of causing disease. Therefore, this variant is classified as benign.

Genetic Services Laboratory, University of Chicago
Classification: Likely benign. Last evaluated: 2016-12-16. Review status: criteria provided, single submitter. Criteria: ACMG Guidelines, 2015. Collection method: clinical testing. Allele origin: germline. Affected: no.

Ambry Genetics
Classification: Likely benign for Inborn genetic diseases. Last evaluated: 2016-03-21. Review status: criteria provided, single submitter. Criteria: Ambry Variant Classification Scheme 2023. Collection method: clinical testing. Allele origin: germline.

GeneDx
Classification: Benign. Last evaluated: 2013-03-29. Review status: criteria provided, single submitter. Criteria: GeneDx Variant Classification (06012015). Collection method: clinical testing. Allele origin: germline. Affected: yes.
Comment: This variant is considered likely benign or benign based on one or more of the following criteria: it is a conservative change, it occurs at a poorly conserved position in the protein, it is predicted to be benign by multiple in silico algorithms, and/or has population frequency not consistent with disease.

PreventionGenetics, part of Exact Sciences
Classification: Likely benign for NRXN1-related condition. Last evaluated: 2019-03-08. Review status: no assertion criteria provided. Collection method: clinical testing. Allele origin: germline. Not counted in ClinVar's aggregate classification.
Comment: This variant is classified as likely benign based on ACMG/AMP sequence variant interpretation guidelines (Richards et al. 2015 PMID: 25741868, with internal and published modifications).

Literature cited by the submitters: PubMed 18179900 (cited by Athena Diagnostics and Illumina Laboratory Services, Illumina).

NM_001330078.2(NRXN1):c.3045C>T (p.Ala1015=)

Gene: NRXN1 (neurexin 1; minus strand). Cytogenetic location: 2p16.3.
Variant type: single nucleotide variant.
Coding change: c.3045C>T on transcript NM_001330078.2 (MANE Select); coding-DNA position 3045, C replaced by T.
Protein change: p.Ala1015=; no amino-acid change (alanine 1015 retained).
Molecular consequence: synonymous variant.
Genome position (GRCh38, 1-based): chr2:50,495,930, G>A on the plus strand (C>T on the coding strand, the complement: NRXN1 is on the minus strand). VCF-style: chr2-50495930-G-A. GRCh37 (hg19) VCF-style: chr2-50723068-G-A.
Other names: p.A1055A:GCC>GCT; p.Ala1055=; c.3165C>T, p.Ala1055= (NM_001135659.3); c.3021C>T, p.Ala1007= (NM_001330077.2, NM_001330082.2); c.2979C>T, p.Ala993= (NM_001330083.2, NM_001330084.2); c.3018C>T, p.Ala1006= (NM_001330085.2); c.3045C>T, p.Ala1015= (NM_001330086.2, NM_004801.6); c.2934C>T, p.Ala978= (NM_001330087.2, NM_001330096.2); and 5 more.
Identifiers: ClinVar variation 93597 (VCV000093597.60), dbSNP rs56402642, ClinGen allele CA221538.